The following is an entry in ClinVar:

NM_000081.4(LYST):c.5954C>G (p.Pro1985Arg)

Gene: LYST (lysosomal trafficking regulator; minus strand). Cytogenetic location: 1q42.3.
Variant type: single nucleotide variant.
Coding change: c.5954C>G on transcript NM_000081.4 (MANE Select); coding-DNA position 5954, C replaced by G.
Protein change: p.Pro1985Arg; replaces proline 1985 with arginine.
Molecular consequence: missense variant.
Genome position (GRCh38, 1-based): chr1:235,766,246, G>C on the plus strand (C>G on the coding strand, the complement: LYST is on the minus strand). VCF-style: chr1-235766246-G-C. GRCh37 (hg19) VCF-style: chr1-235929546-G-C.
Other names: c.5954C>G, p.Pro1985Arg (NM_001301365.1); short protein forms P1985R.
Identifiers: ClinVar variation 2003274 (VCV002003274.4), dbSNP rs746352044, ClinGen allele CA1466481.

ClinVar aggregate classification (germline): Uncertain significance (1 of 4 stars; one submission).

Conditions:
Chédiak-Higashi syndrome (CHS). Also called: Chediak-Higashi Syndrome. Identifiers: Orphanet 167, MedGen C0007965, MONDO:0008963, OMIM 214500.

Allele frequency attached by ClinVar (database versions not stated): ExAC 0.00001; gnomAD exomes 0.00001.
gnomAD v4.1: 3 of 1,612,428 alleles (0.00019%); highest among the groups gnomAD compares: South Asian, 0.0033%; no homozygotes.

Submission:

Labcorp Genetics (formerly Invitae), Labcorp
Classification: Uncertain significance for Chédiak-Higashi syndrome. Last evaluated: 2022-06-08. Review status: criteria provided, single submitter. Criteria: Invitae Variant Classification Sherloc (09022015). Collection method: clinical testing. Allele origin: germline.
Comment: This variant has not been reported in the literature in individuals affected with LYST-related conditions. This variant is present in population databases (rs746352044, gnomAD 0.003%). This sequence change replaces proline, which is neutral and non-polar, with arginine, which is basic and polar, at codon 1985 of the LYST protein (p.Pro1985Arg). Algorithms developed to predict the effect of missense changes on protein structure and function are either unavailable or do not agree on the potential impact of this missense change (SIFT: "Tolerated"; PolyPhen-2: "Probably Damaging"; Align-GVGD: "Class C0"). In summary, the available evidence is currently insufficient to determine the role of this variant in disease. Therefore, it has been classified as a Variant of Uncertain Significance.